The following is an entry in ClinVar:

NM_002755.4(MAP2K1):c.83C>A (p.Thr28Asn)

Gene: MAP2K1 (mitogen-activated protein kinase kinase 1; plus strand). Cytogenetic location: 15q22.31.
Variant type: single nucleotide variant.
Coding change: c.83C>A on transcript NM_002755.4 (MANE Select); coding-DNA position 83, C replaced by A.
Protein change: p.Thr28Asn; replaces threonine 28 with asparagine.
Molecular consequence: missense variant.
Genome position (GRCh38, 1-based): chr15:66,435,029, C>A. VCF-style: chr15-66435029-C-A. GRCh37 (hg19) VCF-style: chr15-66727367-C-A.
Other names: c.17C>A, p.Thr6Asn (NM_001411065.1); short protein forms T28N, T6N.
Identifiers: ClinVar variation 4803985 (VCV004803985.1).

ClinVar aggregate classification (germline): Uncertain significance (1 of 4 stars; one submission).

Conditions:
RASopathy. Also called: Noonan spectrum disorder; rasopathies. Identifiers: Orphanet 536391, MedGen C5555857, MONDO:0021060.

Submission:

Labcorp Genetics (formerly Invitae), Labcorp
Classification: Uncertain significance for RASopathy. Last evaluated: 2025-05-28. Review status: criteria provided, single submitter. Criteria: Invitae Variant Classification Sherloc (09022015). Collection method: clinical testing. Allele origin: germline.
Comment: This sequence change replaces threonine, which is neutral and polar, with asparagine, which is neutral and polar, at codon 28 of the MAP2K1 protein (p.Thr28Asn). This variant is not present in population databases (gnomAD no frequency). This variant has not been reported in the literature in individuals affected with MAP2K1-related conditions. Invitae Evidence Modeling of protein sequence and biophysical properties (such as structural, functional, and spatial information, amino acid conservation, physicochemical variation, residue mobility, and thermodynamic stability) indicates that this missense variant is not expected to disrupt MAP2K1 protein function with a negative predictive value of 95%. In summary, the available evidence is currently insufficient to determine the role of this variant in disease. Therefore, it has been classified as a Variant of Uncertain Significance.